The following is an entry in ClinVar:

ClinVar aggregate classification (germline): Uncertain significance (1 of 4 stars; one submission).

Conditions:
Singleton-Merten syndrome 1 (SGMRT1). Also called: Widened medullary cavities of bone, aortic calcification, abnormal dentition, and muscular weakness; Syndrome of widened medullary cavities of the metacarpals and phalanges, aortic calcification and abnormal dentition. Identifiers: Orphanet 85191, MedGen C4225427, MONDO:0024535, OMIM 182250.
Aicardi-Goutieres syndrome 7 (AGS7). Identifiers: Orphanet 51, MedGen C3888244, MONDO:0014367, OMIM 615846.

Allele frequency attached by ClinVar (database versions not stated): TOPMed 0.00001; gnomAD 0.00001.

Submission:

GeneDx
Classification: Uncertain significance. Last evaluated: 2021-02-16. Review status: criteria provided, single submitter. Criteria: GeneDx Variant Classification Process June 2021. Collection method: clinical testing. Allele origin: germline. Affected: yes.
Comment: Not observed in large population cohorts (Lek et al., 2016); In silico analysis supports that this missense variant has a deleterious effect on protein structure/function; Has not been previously published as pathogenic or benign to our knowledge

NM_022168.4(IFIH1):c.104T>A (p.Leu35Gln)

Gene: IFIH1 (interferon induced with helicase C domain 1; minus strand). Cytogenetic location: 2q24.2.
Variant type: single nucleotide variant.
Coding change: c.104T>A on transcript NM_022168.4 (MANE Select); coding-DNA position 104, T replaced by A.
Protein change: p.Leu35Gln; replaces leucine 35 with glutamine.
Molecular consequence: missense variant.
Genome position (GRCh38, 1-based): chr2:162,318,204, A>T on the plus strand (T>A on the coding strand, the complement: IFIH1 is on the minus strand). VCF-style: chr2-162318204-A-T. GRCh37 (hg19) VCF-style: chr2-163174714-A-T.
Other names: short protein forms L35Q.
Identifiers: ClinVar variation 972999 (VCV000972999.4), dbSNP rs1235525082, ClinGen allele CA349014418.